The following is an entry in ClinVar:

NM_001009944.3(PKD1):c.9754G>T (p.Glu3252Ter)

Gene: PKD1 (polycystin 1, transient receptor potential channel interacting; minus strand). Cytogenetic location: 16p13.3.
Variant type: single nucleotide variant.
Coding change: c.9754G>T on transcript NM_001009944.3 (MANE Select); coding-DNA position 9754, G replaced by T.
Protein change: p.Glu3252Ter; replaces glutamic acid 3252 with a stop codon.
Molecular consequence: nonsense.
Genome position (GRCh38, 1-based): chr16:2,100,030, C>A on the plus strand (G>T on the coding strand, the complement: PKD1 is on the minus strand). VCF-style: chr16-2100030-C-A. GRCh37 (hg19) VCF-style: chr16-2150031-C-A.
Other names: c.9754G>T, p.Glu3252Ter (NM_000296.4); short protein forms E3252*.
Identifiers: ClinVar variation 4532207 (VCV004532207.1).
Genomic context (GRCh38, chr16:2,100,030, plus strand): 5'-GAGGCGGCCGGTCCCATATGGAGAGCCAGATGTGCTTGTCAAAGAAGCCACGCTGCAGCT[C>A]AGCCACCAGCAGGCGCCGGAAGCGCAAAAGGGCTGCGTCGCCTAGAAGGCAGGGAGGGCC-3'

ClinVar aggregate classification (germline): Pathogenic (1 of 4 stars; one submission).

Conditions:
Polycystic kidney disease, adult type (PKD1). Also called: Polycystic Kidney, Autosomal Dominant; POLYCYSTIC KIDNEY DISEASE, ADULT, TYPE I; Polycystic Kidney Disease 1, Autosomal Dominant; Polycystic kidney disease 1; Polycystic kidney disease 1, severe; POLYCYSTIC KIDNEY DISEASE 1 WITH OR WITHOUT POLYCYSTIC LIVER DISEASE. Identifiers: MedGen C3149841, MONDO:0008263, OMIM 173900.

Submission:

MVZ Medizinische Genetik Mainz
Classification: Pathogenic for Polycystic kidney disease, adult type. Last evaluated: 2025-11-10. Review status: criteria provided, single submitter. Criteria: UK Practice Guidelines For Variant Classification V4 01 2020. Collection method: clinical testing. Allele origin: germline. Inheritance: Autosomal dominant inheritance. Affected: yes. Observed: 2 variant alleles.
Comment: ACMG Criteria: PVS1,PM2_SUP,PP4